The following is an entry in ClinVar:

ClinVar aggregate classification (germline): Benign/Likely benign. Review status: criteria provided, multiple submitters, no conflicts (2 of 4 stars). 2 submissions from 2 submitters: Benign (1); Likely benign (1). Last evaluated 2021-08-20.

Conditions:
Arthrogryposis, renal dysfunction, and cholestasis 1 (ARCS1). Identifiers: Orphanet 2697, MedGen C1859722, MONDO:0008822, OMIM 208085.

Allele frequency attached by ClinVar (database versions not stated): TOPMed 0.00072; gnomAD exomes 0.00117; ExAC 0.00243; 1000 Genomes Project 30x 0.00515; 1000 Genomes Project 0.00579.
gnomAD v4.1: 1,078 of 1,555,052 alleles (0.069%); highest among the groups gnomAD compares: East Asian, 2.4%; 15 homozygotes.

Submissions (2):

GeneDx
Classification: Likely benign. Last evaluated: 2021-08-20. Review status: criteria provided, single submitter. Criteria: GeneDx Variant Classification Process June 2021. Collection method: clinical testing. Allele origin: germline. Affected: yes.
Comment: See Variant Classification Assertion Criteria.

Illumina Laboratory Services, Illumina
Classification: Benign for Arthrogryposis, renal dysfunction, and cholestasis 1. Last evaluated: 2017-04-27. Review status: criteria provided, single submitter. Criteria: ICSL Variant Classification Criteria 13 December 2019. Collection method: clinical testing. Allele origin: germline.
Comment: This variant was observed as part of a predisposition screen in an ostensibly healthy population. A literature search was performed for the gene, cDNA change, and amino acid change (where applicable). No publications were found based on this search. Allele frequency data from public databases was too high to be consistent with this variant causing disease. Therefore, this variant is classified as benign.

NM_018668.5(VPS33B):c.-7C>G

Gene: VPS33B (VPS33B late endosome and lysosome associated; minus strand). Cytogenetic location: 15q26.1.
Variant type: single nucleotide variant.
Coding change: c.-7C>G on transcript NM_018668.5 (MANE Select); 7 bases upstream of the start codon, C replaced by G.
Molecular consequence: 5 prime UTR variant.
Genome position (GRCh38, 1-based): chr15:91,022,256, G>C on the plus strand (C>G on the coding strand, the complement: VPS33B is on the minus strand). VCF-style: chr15-91022256-G-C. GRCh37 (hg19) VCF-style: chr15-91565486-G-C.
Other names: c.-7C>G (NM_001289148.1); c.-218C>G (NM_001289149.1).
Identifiers: ClinVar variation 886597 (VCV000886597.5), dbSNP rs2289617, ClinGen allele CA7745246.